The following is an entry in ClinVar:

NM_005591.4(MRE11):c.1699A>G (p.Asn567Asp)

Gene: MRE11 (MRE11 double strand break repair nuclease; minus strand). Cytogenetic location: 11q21.
Variant type: single nucleotide variant.
Coding change: c.1699A>G on transcript NM_005591.4 (MANE Select); coding-DNA position 1699, A replaced by G.
Protein change: p.Asn567Asp; replaces asparagine 567 with aspartic acid.
Molecular consequence: missense variant.
Genome position (GRCh38, 1-based): chr11:94,447,303, T>C on the plus strand (A>G on the coding strand, the complement: MRE11 is on the minus strand). VCF-style: chr11-94447303-T-C. GRCh37 (hg19) VCF-style: chr11-94180469-T-C.
Other names: c.1699A>G, p.Asn567Asp (NM_001330347.2, NM_005590.4); short protein forms N567D.
Identifiers: ClinVar variation 186602 (VCV000186602.39), dbSNP rs778585671, ClinGen allele CA195296.

ClinVar aggregate classification (germline): Uncertain significance. Review status: criteria provided, multiple submitters, no conflicts (2 of 4 stars). 6 submissions from 6 submitters: Uncertain significance (6). Last evaluated 2024-11-11.

Conditions:
Ataxia-telangiectasia-like disorder (ATLD). Identifiers: MedGen C1858391, MONDO:0011457.
Hereditary cancer-predisposing syndrome. Also called: Tumor predisposition; Neoplastic Syndromes, Hereditary; Hereditary Cancer Syndrome; Hereditary neoplastic syndrome. Identifiers: Orphanet 140162, MedGen C0027672, MeSH D009386, MONDO:0015356.
Ataxia-telangiectasia-like disorder 1 (ATLD1). Identifiers: Orphanet 251347, MedGen C4012790, MONDO:0024557, OMIM 604391.

Allele frequency attached by ClinVar (database versions not stated): gnomAD 0.00001; ExAC 0.00002; TOPMed 0.00002; gnomAD exomes 0.00003.
gnomAD v4.1: 64 of 1,613,972 alleles (0.004%); highest among the groups gnomAD compares: Non-Finnish European, 0.0048%; no homozygotes.

Submissions (6):

Labcorp Genetics (formerly Invitae), Labcorp
Classification: Uncertain significance for Ataxia-telangiectasia-like disorder. Last evaluated: 2024-11-11. Review status: criteria provided, single submitter. Criteria: Invitae Variant Classification Sherloc (09022015). Collection method: clinical testing. Allele origin: germline.
Comment: This sequence change replaces asparagine, which is neutral and polar, with aspartic acid, which is acidic and polar, at codon 567 of the MRE11 protein (p.Asn567Asp). This variant is present in population databases (rs778585671, gnomAD 0.006%). This variant has not been reported in the literature in individuals affected with MRE11-related conditions. ClinVar contains an entry for this variant (Variation ID: 186602). An algorithm developed to predict the effect of missense changes on protein structure and function (PolyPhen-2) suggests that this variant is likely to be tolerated. In summary, the available evidence is currently insufficient to determine the role of this variant in disease. Therefore, it has been classified as a Variant of Uncertain Significance.

Ambry Genetics
Classification: Uncertain significance for Hereditary cancer-predisposing syndrome. Last evaluated: 2024-08-14. Review status: criteria provided, single submitter. Criteria: Ambry Variant Classification Scheme 2023. Collection method: clinical testing. Allele origin: germline.

CeGaT Center for Human Genetics Tuebingen
Classification: Uncertain significance. Last evaluated: 2024-04-01. Review status: criteria provided, single submitter. Criteria: CeGaT Center For Human Genetics Tuebingen Variant Classification Criteria Version 2. Collection method: clinical testing. Allele origin: germline. Affected: yes. Observed: 1 variant allele.
Comment: MRE11: PM2, BP4

Quest Diagnostics Nichols Institute San Juan Capistrano
Classification: Uncertain significance. Last evaluated: 2024-02-12. Review status: criteria provided, single submitter. Criteria: Quest Diagnostics criteria. Collection method: clinical testing. Allele origin: unknown.

Revvity Omics, Revvity
Classification: Uncertain significance for Ataxia-telangiectasia-like disorder 1. Last evaluated: 2019-12-10. Review status: criteria provided, single submitter. Criteria: ACMG Guidelines, 2015. Collection method: clinical testing. Allele origin: germline.

Athena Diagnostics
Classification: Uncertain significance. Last evaluated: 2018-03-12. Review status: criteria provided, single submitter. Criteria: Athena Diagnostics Criteria. Collection method: clinical testing. Allele origin: germline.